The following is an entry in ClinVar:

ClinVar aggregate classification (germline): Likely benign (0 of 4 stars; one submission).

Conditions:
EPPK1-related disorder. Also called: EPPK1-related condition.

Allele frequency attached by ClinVar (database versions not stated): 1000 Genomes Project 30x 0.10462; 1000 Genomes Project 0.10483; TOPMed 0.12167; ESP Exome Variant Server 0.12514; gnomAD 0.12884; ExAC 0.14532; gnomAD exomes 0.16611.
gnomAD v4.1: 261,207 of 1,613,138 alleles (16%); highest among the groups gnomAD compares: Non-Finnish European, 18%; 22,974 homozygotes.

Submission:

PreventionGenetics, part of Exact Sciences
Classification: Likely benign for EPPK1-related condition. Last evaluated: 2021-04-13. Review status: no assertion criteria provided. Collection method: clinical testing. Allele origin: germline.
Comment: This variant is classified as likely benign based on ACMG/AMP sequence variant interpretation guidelines (Richards et al. 2015 PMID: 25741868, with internal and published modifications).

NM_031308.4(EPPK1):c.2231A>G (p.Tyr744Cys)

Gene: EPPK1 (epiplakin 1; minus strand). Cytogenetic location: 8q24.3.
Variant type: single nucleotide variant.
Coding change: c.2231A>G on transcript NM_031308.4 (MANE Select); coding-DNA position 2231, A replaced by G.
Protein change: p.Tyr744Cys; replaces tyrosine 744 with cysteine.
Molecular consequence: missense variant.
Genome position (GRCh38, 1-based): chr8:143,871,023, T>C on the plus strand (A>G on the coding strand, the complement: EPPK1 is on the minus strand). VCF-style: chr8-143871023-T-C. GRCh37 (hg19) VCF-style: chr8-144945191-T-C.
Other names: short protein forms Y744C.
Identifiers: ClinVar variation 3035546 (VCV003035546.2), dbSNP rs12543389, ClinGen allele CA4923137.
Genomic context (GRCh38, chr8:143,871,023, plus strand): 5'-GTGTCGTCAGAAGGGTCCAACAGGATCAAGTTCAGCATCTGATCGAAGTAGCCGCGCCGG[T>C]AGGCCACGTCCACGGGCACGCGGTGGCTGTGCACGGGGTCGATGACGCCGCCCGTGGCGA-3'
Protein context (NP_112598.3, residues 734-754): HSHRVPVDVA[Tyr744Cys]RRGYFDQMLN